The following is an entry in ClinVar:

ClinVar aggregate classification (germline): Conflicting classifications of pathogenicity. Review status: criteria provided, conflicting classifications (1 of 4 stars). 8 submissions from 6 submitters: Uncertain significance (2); Benign (2); Likely benign (3). 1 of the submissions does not count toward it. Last evaluated 2025-11-10.

Conditions:
Mitochondrial complex II deficiency, nuclear type 1. Also called: SUCCINATE CoQ REDUCTASE DEFICIENCY. Identifiers: Orphanet 3208, MedGen C5700310, MONDO:0100294, OMIM 252011.
Pheochromocytoma/paraganglioma syndrome 5. Also called: Paragangliomas 5; SDHA-Related Hereditary Paraganglioma-Pheochromocytoma Syndrome. Identifiers: Orphanet 29072, MedGen C3279992, MONDO:0013602, OMIM 614165.
SDHA-related disorder. Also called: SDHA-related condition; SDHA-related disorders.
Hereditary pheochromocytoma and paraganglioma. Also called: Hereditary paragangliomas and pheochromocytomas; Hereditary Paraganglioma-Pheochromocytoma Syndromes; Hereditary pheochromocytoma-paraganglioma. Identifiers: Orphanet 29072, MedGen C4274332, MONDO:0017366.
Leigh syndrome (NULS). Also called: LEIGH SYNDROME, NUCLEAR; Leigh Disease; Subacute necrotizing encephalopathy; Necrotizing encephalopathy infantile subacute of Leigh; Leigh's necrotizing encephalopathy; Leigh's disease. Identifiers: Orphanet 506, MedGen C2931891, MONDO:0009723, OMIM 256000.
Hereditary cancer-predisposing syndrome. Also called: Neoplastic Syndromes, Hereditary; Hereditary Cancer Syndrome; Hereditary neoplastic syndrome; Tumor predisposition. Identifiers: Orphanet 140162, MedGen C0027672, MeSH D009386, MONDO:0015356.

Allele frequency attached by ClinVar (database versions not stated): gnomAD 0.00001 and 0.00002; TOPMed 0.00001; gnomAD exomes 0.00002 and 0.00003; ExAC 0.00003.
gnomAD v4.1: 40 of 1,613,992 alleles (0.0025%); highest among the groups gnomAD compares: South Asian, 0.015%; no homozygotes.

Submissions (8):

Labcorp Genetics (formerly Invitae), Labcorp
Classification: Likely benign for Pheochromocytoma/paraganglioma syndrome 5; Mitochondrial complex II deficiency, nuclear type 1. Last evaluated: 2025-11-10. Review status: criteria provided, single submitter. Criteria: Invitae Variant Classification Sherloc (09022015). Collection method: clinical testing. Allele origin: germline.

Quest Diagnostics Nichols Institute San Juan Capistrano
Classification: Likely benign. Last evaluated: 2025-07-02. Review status: criteria provided, single submitter. Criteria: Quest Diagnostics criteria. Collection method: clinical testing. Allele origin: unknown.

Myriad Genetics, Inc.
Classification: Benign for Pheochromocytoma/paraganglioma syndrome 5. Last evaluated: 2025-03-07. Review status: criteria provided, single submitter. Criteria: Myriad Autosomal Dominant, Autosomal Recessive and X-Linked Classification Criteria (2023). Collection method: clinical testing. Allele origin: unknown.
Comment: This variant is considered benign. This variant is a silent/synonymous amino acid change and it is not expected to impact splicing.

Illumina Laboratory Services, Illumina
Classification: Uncertain significance for Mitochondrial complex II deficiency, nuclear type 1. Last evaluated: 2018-01-13. Review status: criteria provided, single submitter. Criteria: ICSL Variant Classification Criteria 13 December 2019. Collection method: clinical testing. Allele origin: germline.

Illumina Laboratory Services, Illumina
Classification: Benign for Hereditary Paraganglioma-Pheochromocytoma Syndromes. Last evaluated: 2018-01-13. Review status: criteria provided, single submitter. Criteria: ICSL Variant Classification Criteria 13 December 2019. Collection method: clinical testing. Allele origin: germline.
Comment: This variant was observed in the ICSL laboratory as part of a predisposition screen in an ostensibly healthy population. It had not been previously curated by ICSL or reported in the Human Gene Mutation Database (HGMD: prior to June 1st, 2018), and was therefore a candidate for classification through an automated scoring system. Utilizing variant allele frequency, disease prevalence and penetrance estimates, and inheritance mode, an automated score was calculated to assess if this variant is too frequent to cause the disease. Based on the score and internal cut-off values, a variant classified as benign is not then subjected to further curation. The score for this variant resulted in a classification of benign for this disease.

Illumina Laboratory Services, Illumina
Classification: Uncertain significance for Leigh syndrome. Last evaluated: 2018-01-13. Review status: criteria provided, single submitter. Criteria: ICSL Variant Classification Criteria 13 December 2019. Collection method: clinical testing. Allele origin: germline.

Ambry Genetics
Classification: Likely benign for Hereditary cancer-predisposing syndrome. Last evaluated: 2015-07-24. Review status: criteria provided, single submitter. Criteria: Ambry Variant Classification Scheme 2023. Collection method: clinical testing. Allele origin: germline.

PreventionGenetics, part of Exact Sciences
Classification: Likely benign for SDHA-related condition. Last evaluated: 2024-05-23. Review status: no assertion criteria provided. Collection method: clinical testing. Allele origin: germline. Not counted in ClinVar's aggregate classification.
Comment: This variant is classified as likely benign based on ACMG/AMP sequence variant interpretation guidelines (Richards et al. 2015 PMID: 25741868, with internal and published modifications).

Literature cited by the submitters: PubMed 32658072 (cited by Quest Diagnostics Nichols Institute San Juan Capistrano); PubMed 37176124 (cited by Quest Diagnostics Nichols Institute San Juan Capistrano).

NM_004168.4(SDHA):c.1188G>A (p.Thr396=)

Gene: SDHA (succinate dehydrogenase complex flavoprotein subunit A; plus strand). Cytogenetic location: 5p15.33.
Variant type: single nucleotide variant.
Coding change: c.1188G>A on transcript NM_004168.4 (MANE Select); coding-DNA position 1188, G replaced by A.
Protein change: p.Thr396=; no amino-acid change (threonine 396 retained).
Molecular consequence: synonymous variant.
Genome position (GRCh38, 1-based): chr5:235,267, G>A. VCF-style: chr5-235267-G-A. GRCh37 (hg19) VCF-style: chr5-235382-G-A.
Other names: c.1044G>A, p.Thr348= (NM_001294332.2); c.1188G>A, p.Thr396= (NM_001330758.2).
Identifiers: ClinVar variation 472306 (VCV000472306.22), dbSNP rs778667374, ClinGen allele CA3173134.